The following is an entry in ClinVar:

ClinVar aggregate classification (germline): Uncertain significance. Review status: criteria provided, multiple submitters, no conflicts (2 of 4 stars). 3 submissions from 3 submitters: Uncertain significance (3). Last evaluated 2021-06-26.

Conditions:
Cardiovascular phenotype. Identifiers: MedGen CN230736.
Long QT syndrome (LQTS). Identifiers: MedGen C0023976, MeSH D008133, MONDO:0002442. Disease mechanism: loss of function. Inheritance: Various modes of inheritance.

Allele frequency attached by ClinVar (database versions not stated): TOPMed 0.00001.
gnomAD v4.1: 2 of 1,610,452 alleles (0.00012%); highest among the groups gnomAD compares: Non-Finnish European, 0.00017%; no homozygotes.

Submissions (3):

Ambry Genetics
Classification: Uncertain significance for Cardiovascular phenotype. Last evaluated: 2021-06-26. Review status: criteria provided, single submitter. Criteria: Ambry Variant Classification Scheme 2023. Collection method: clinical testing. Allele origin: germline.
Comment: The p.T59I variant (also known as c.176C>T), located in coding exon 2 of the ANK2 gene, results from a C to T substitution at nucleotide position 176. The threonine at codon 59 is replaced by isoleucine, an amino acid with similar properties. This amino acid position is highly conserved in available vertebrate species. In addition, the in silico prediction for this alteration is inconclusive. Since supporting evidence is limited at this time, the clinical significance of this alteration remains unclear.

Labcorp Genetics (formerly Invitae), Labcorp
Classification: Uncertain significance for Long QT syndrome. Last evaluated: 2015-02-13. Review status: criteria provided, single submitter. Criteria: Invitae Variant Classification Sherloc (09022015). Collection method: clinical testing. Allele origin: germline.
Comment: In summary, this is a novel missense change with uncertain impact on protein function. It has been classified as a Variant of Uncertain Significance. Algorithms developed to predict the effect of missense changes on protein structure and function do not agree on the potential impact of this missense change (SIFT: "Deleterious"; PolyPhen-2: "Possibly Damaging"; Align-GVGD: "Class C0"). This variant has not been published in the literature and is not present in population databases. This sequence change replaces threonine with isoleucine at codon 59 of the ANK2 protein (p.Thr59Ile). The threonine residue is highly conserved and there is a moderate physicochemical difference between threonine and isoleucine.

GeneDx
Classification: Uncertain significance. Last evaluated: 2014-07-21. Review status: criteria provided, single submitter. Criteria: GeneDx Variant Classification (06012015). Collection method: clinical testing. Allele origin: germline. Affected: yes.
Comment: p.Thr59Ile (ACC>ATC): c.176 C>T in exon 2 of the ANK2 gene (NM_001148.4). The T59I variant has not been published as a mutation, nor has it been reported as a benign polymorphism to our knowledge. The T59I variant was not observed in approximately 6,500 individuals of European and African American ancestry in the NHLBI Exome Sequencing Project, indicating it is not a common benign variant in these populations. The T59I variant is a non-conservative amino acid substitution, which is likely to impact secondary protein structure as these residues differ in polarity, charge, size and/or other properties. This substitution occurs at a position that is conserved across species. Consequently, in silico analysis predicts this variant is probably damaging to the protein structure/function. However, missense mutations in nearby residues have not been reported indicating this region of the protein may tolerate change. Therefore, based on the currently available information, it is unclear whether this variant is a pathogenic mutation or a rare benign variant. The variant is found in LQT panel(s).

NM_001148.6(ANK2):c.176C>T (p.Thr59Ile)

Gene: ANK2 (ankyrin 2; plus strand). Cytogenetic location: 4q25.
Variant type: single nucleotide variant.
Coding change: c.176C>T on transcript NM_001148.6 (MANE Select); coding-DNA position 176, C replaced by T.
Protein change: p.Thr59Ile; replaces threonine 59 with isoleucine.
Molecular consequence: missense variant.
Genome position (GRCh38, 1-based): chr4:113,174,507, C>T. VCF-style: chr4-113174507-C-T. GRCh37 (hg19) VCF-style: chr4-114095663-C-T.
Other names: p.T59I:ACC>ATC; c.113C>T, p.Thr38Ile (NM_001127493.3, NM_001354239.2, NM_001354243.2 and 33 more transcripts); c.176C>T, p.Thr59Ile (NM_001354225.2, NM_001354228.2, NM_001354232.2 and 9 more transcripts); c.221C>T, p.Thr74Ile (NM_001354230.2, NM_001354231.2, NM_001354237.2 and 5 more transcripts); c.158C>T, p.Thr53Ile (NM_001354261.2, NM_001386147.1, NM_001386160.1); c.164C>T, p.Thr55Ile (NM_001354269.3, NM_001386148.2, NM_001386186.2 and 1 more transcripts); c.227C>T, p.Thr76Ile (NM_001386174.1, NM_001386175.1); short protein forms T38I, T59I, T55I, T53I, T74I, T76I.
Identifiers: ClinVar variation 190537 (VCV000190537.6), dbSNP rs786205718, ClinGen allele CA300750.